The following is an entry in ClinVar:

NM_018942.3(HMX1):c.651G>C (p.Gln217His)

Gene: HMX1 (H6 family homeobox 1; minus strand). Cytogenetic location: 4p16.1.
Variant type: single nucleotide variant.
Coding change: c.651G>C on transcript NM_018942.3 (MANE Select); coding-DNA position 651, G replaced by C.
Protein change: p.Gln217His; replaces glutamine 217 with histidine.
Molecular consequence: missense variant. On other transcripts: intron variant (1).
Genome position (GRCh38, 1-based): chr4:8,868,089, C>G on the plus strand (G>C on the coding strand, the complement: HMX1 is on the minus strand). VCF-style: chr4-8868089-C-G. GRCh37 (hg19) VCF-style: chr4-8869815-C-G.
Other names: c.394+3132G>C (NM_001306142.2); short protein forms Q217H.
Identifiers: ClinVar variation 2047283 (VCV002047283.4), dbSNP rs755963149, ClinGen allele CA2854289.

ClinVar aggregate classification (germline): Uncertain significance (1 of 4 stars; one submission).

Allele frequency attached by ClinVar (database versions not stated): gnomAD exomes below 0.00001; TOPMed below 0.00001; gnomAD 0.00001; ExAC 0.00005.
gnomAD v4.1: 2 of 1,520,858 alleles (0.00013%); highest among the groups gnomAD compares: Admixed American, 0.004%; no homozygotes.

Submission:

Labcorp Genetics (formerly Invitae), Labcorp
Classification: Uncertain significance. Last evaluated: 2023-07-17. Review status: criteria provided, single submitter. Criteria: Invitae Variant Classification Sherloc (09022015). Collection method: clinical testing. Allele origin: germline.
Comment: In summary, the available evidence is currently insufficient to determine the role of this variant in disease. Therefore, it has been classified as a Variant of Uncertain Significance. Advanced modeling of protein sequence and biophysical properties (such as structural, functional, and spatial information, amino acid conservation, physicochemical variation, residue mobility, and thermodynamic stability) performed at Invitae indicates that this missense variant is not expected to disrupt HMX1 protein function. ClinVar contains an entry for this variant (Variation ID: 2047283). This variant has not been reported in the literature in individuals affected with HMX1-related conditions. This variant is not present in population databases (gnomAD no frequency). This sequence change replaces glutamine, which is neutral and polar, with histidine, which is basic and polar, at codon 217 of the HMX1 protein (p.Gln217His).